The following is an entry in ClinVar:

ClinVar aggregate classification (germline): Uncertain significance (1 of 4 stars; one submission).

Conditions:
Autosomal dominant childhood-onset proximal spinal muscular atrophy with contractures (SMALED2A). Also called: Spinal muscular atrophy, lower extremity-predominant, 2A, autosomal dominant; SPINAL MUSCULAR ATROPHY, LOWER EXTREMITY-PREDOMINANT, 2A, CHILDHOOD ONSET, AUTOSOMAL DOMINANT. Identifiers: Orphanet 363447, Orphanet 363454, MedGen C4747715, MONDO:0014121, OMIM 615290.

Submission:

Labcorp Genetics (formerly Invitae), Labcorp
Classification: Uncertain significance for Autosomal dominant childhood-onset proximal spinal muscular atrophy with contractures. Last evaluated: 2025-12-20. Review status: criteria provided, single submitter. Criteria: Invitae Variant Classification Sherloc (09022015). Collection method: clinical testing. Allele origin: germline.
Comment: This sequence change replaces leucine, which is neutral and non-polar, with proline, which is neutral and non-polar, at codon 502 of the BICD2 protein (p.Leu502Pro). This variant is not present in population databases (gnomAD no frequency). This variant has not been reported in the literature in individuals affected with BICD2-related conditions. Invitae Evidence Modeling of protein sequence and biophysical properties (such as structural, functional, and spatial information, amino acid conservation, physicochemical variation, residue mobility, and thermodynamic stability) indicates that this missense variant is expected to disrupt BICD2 protein function with a positive predictive value of 80%. In summary, the available evidence is currently insufficient to determine the role of this variant in disease. Therefore, it has been classified as a Variant of Uncertain Significance.

NM_001003800.2(BICD2):c.1505T>C (p.Leu502Pro)

Gene: BICD2 (BICD cargo adaptor 2; minus strand). Cytogenetic location: 9q22.31.
Variant type: single nucleotide variant.
Coding change: c.1505T>C on transcript NM_001003800.2 (MANE Select); coding-DNA position 1505, T replaced by C.
Protein change: p.Leu502Pro; replaces leucine 502 with proline.
Molecular consequence: missense variant.
Genome position (GRCh38, 1-based): chr9:92,719,140, A>G on the plus strand (T>C on the coding strand, the complement: BICD2 is on the minus strand). VCF-style: chr9-92719140-A-G. GRCh37 (hg19) VCF-style: chr9-95481422-A-G.
Other names: c.1505T>C, p.Leu502Pro (NM_015250.4); short protein forms L502P.
Identifiers: ClinVar variation 4692160 (VCV004692160.1).